The following is an entry in ClinVar:

ClinVar aggregate classification (germline): Uncertain significance (1 of 4 stars; one submission).

Conditions:
Developmental and epileptic encephalopathy, 30 (DEE30). Also called: Epileptic encephalopathy, early infantile, 30. Identifiers: MedGen C4225360, MONDO:0014595, OMIM 616341.

Submission:

Labcorp Genetics (formerly Invitae), Labcorp
Classification: Uncertain significance for Developmental and epileptic encephalopathy, 30. Last evaluated: 2023-03-09. Review status: criteria provided, single submitter. Criteria: Invitae Variant Classification Sherloc (09022015). Collection method: clinical testing. Allele origin: germline.
Comment: This sequence change replaces histidine, which is basic and polar, with glutamine, which is neutral and polar, at codon 629 of the SIK1 protein (p.His629Gln). This variant is not present in population databases (gnomAD no frequency). This variant has not been reported in the literature in individuals affected with SIK1-related conditions. Advanced modeling of protein sequence and biophysical properties (such as structural, functional, and spatial information, amino acid conservation, physicochemical variation, residue mobility, and thermodynamic stability) performed at Invitae indicates that this missense variant is not expected to disrupt SIK1 protein function. In summary, the available evidence is currently insufficient to determine the role of this variant in disease. Therefore, it has been classified as a Variant of Uncertain Significance.

NM_173354.5(SIK1):c.1887C>A (p.His629Gln)

Gene: SIK1 (salt inducible kinase 1; minus strand). Cytogenetic location: 21q22.3.
Variant type: single nucleotide variant.
Coding change: c.1887C>A on transcript NM_173354.5 (MANE Select); coding-DNA position 1887, C replaced by A.
Protein change: p.His629Gln; replaces histidine 629 with glutamine.
Molecular consequence: missense variant.
Genome position (GRCh38, 1-based): chr21:43,417,632, G>T on the plus strand (C>A on the coding strand, the complement: SIK1 is on the minus strand). VCF-style: chr21-43417632-G-T. GRCh37 (hg19) VCF-style: chr21-44837512-G-T.
Other names: short protein forms H629Q.
Identifiers: ClinVar variation 2844596 (VCV002844596.3), dbSNP rs771569126, ClinGen allele CA410607093.